The following is an entry in ClinVar:

NM_001018111.3(PODXL):c.1145G>A (p.Arg382Gln)

Gene: PODXL (podocalyxin like; minus strand). Cytogenetic location: 7q32.3.
Variant type: single nucleotide variant.
Coding change: c.1145G>A on transcript NM_001018111.3 (MANE Select); coding-DNA position 1145, G replaced by A.
Protein change: p.Arg382Gln; replaces arginine 382 with glutamine.
Molecular consequence: missense variant.
Genome position (GRCh38, 1-based): chr7:131,506,683, C>T on the plus strand (G>A on the coding strand, the complement: PODXL is on the minus strand). VCF-style: chr7-131506683-C-T. GRCh37 (hg19) VCF-style: chr7-131191442-C-T.
Other names: c.1049G>A, p.Arg350Gln (NM_005397.4); short protein forms R382Q, R350Q.
Identifiers: ClinVar variation 1444238 (VCV001444238.6), dbSNP rs373696065, ClinGen allele CA4488466.

ClinVar aggregate classification (germline): Uncertain significance (1 of 4 stars; one submission).

Allele frequency attached by ClinVar (database versions not stated): gnomAD exomes 0.00001 and 0.00004; ExAC 0.00007; gnomAD 0.00010 and 0.00011; TOPMed 0.00012; ESP Exome Variant Server 0.00023.
gnomAD v4.1: 28 of 1,614,048 alleles (0.0017%); highest among the groups gnomAD compares: African/African-American, 0.029%; no homozygotes.

Submission:

Labcorp Genetics (formerly Invitae), Labcorp
Classification: Uncertain significance. Last evaluated: 2025-06-12. Review status: criteria provided, single submitter. Criteria: Invitae Variant Classification Sherloc (09022015). Collection method: clinical testing. Allele origin: germline.
Comment: This sequence change replaces arginine, which is basic and polar, with glutamine, which is neutral and polar, at codon 350 of the PODXL protein (p.Arg350Gln). This variant is present in population databases (rs373696065, gnomAD 0.04%). This variant has not been reported in the literature in individuals affected with PODXL-related conditions. ClinVar contains an entry for this variant (Variation ID: 1444238). An algorithm developed to predict the effect of missense changes on protein structure and function outputs the following: PolyPhen-2: "Benign". The glutamine amino acid residue is found in multiple mammalian species, which suggests that this missense change does not adversely affect protein function. In summary, the available evidence is currently insufficient to determine the role of this variant in disease. Therefore, it has been classified as a Variant of Uncertain Significance.